The following is an entry in ClinVar:

ClinVar aggregate classification (germline): Pathogenic (1 of 4 stars; one submission).

Conditions:
Hereditary cancer-predisposing syndrome. Also called: Neoplastic Syndromes, Hereditary; Tumor predisposition; Hereditary Cancer Syndrome; Hereditary neoplastic syndrome. Identifiers: Orphanet 140162, MedGen C0027672, MeSH D009386, MONDO:0015356.

Submission:

Ambry Genetics
Classification: Pathogenic for Hereditary cancer-predisposing syndrome. Last evaluated: 2020-04-06. Review status: criteria provided, single submitter. Criteria: Ambry Variant Classification Scheme 2023. Collection method: clinical testing. Allele origin: germline.
Comment: The c.3365delA pathogenic mutation, located in coding exon 21 of the RAD50 gene, results from a deletion of one nucleotide at nucleotide position 3365, causing a translational frameshift with a predicted alternate stop codon (p.D1122Vfs*11). This alteration is expected to result in loss of function by premature protein truncation or nonsense-mediated mRNA decay. As such, this alteration is interpreted as a disease-causing mutation.

NM_005732.4(RAD50):c.3365del (p.Asp1122fs)

Gene: RAD50 (RAD50 double strand break repair protein; plus strand). Cytogenetic location: 5q31.1.
Variant type: Deletion.
Coding change: c.3365del on transcript NM_005732.4 (MANE Select); coding-DNA position 3365, one base deleted (A; older notation c.3365delA).
Protein change: p.Asp1122fs; shifts the reading frame from aspartic acid 1122.
Molecular consequence: frameshift variant.
Genome position (GRCh38, 1-based): chr5:132,618,270, A deleted. VCF-style (leftmost placement, unchanged base first): chr5-132618269-GA-G. GRCh37 (hg19) VCF-style: chr5-131953961-GA-G.
Other names: short protein forms D1122fs.
Identifiers: ClinVar variation 1730655 (VCV001730655.2), dbSNP rs2479388898, ClinGen allele CA2580072801.